The following is an entry in ClinVar:

ClinVar aggregate classification (germline): Uncertain significance. Review status: criteria provided, multiple submitters, no conflicts (2 of 4 stars). 2 submissions from 2 submitters: Uncertain significance (2). Last evaluated 2025-11-24.

Conditions:
Inborn genetic diseases. Identifiers: MedGen C0950123, MeSH D030342.

Allele frequency attached by ClinVar (database versions not stated): gnomAD 0.00002; TOPMed 0.00001; gnomAD exomes below 0.00001.
gnomAD v4.1: 10 of 1,614,106 alleles (0.00062%); highest among the groups gnomAD compares: African/African-American, 0.0013%; no homozygotes.

Submissions (2):

Ambry Genetics
Classification: Uncertain significance for Inborn genetic diseases. Last evaluated: 2025-11-24. Review status: criteria provided, single submitter. Criteria: Ambry Variant Classification Scheme 2023. Collection method: clinical testing. Allele origin: germline.

Labcorp Genetics (formerly Invitae), Labcorp
Classification: Uncertain significance. Last evaluated: 2025-07-27. Review status: criteria provided, single submitter. Criteria: Invitae Variant Classification Sherloc (09022015). Collection method: clinical testing. Allele origin: germline.
Comment: This sequence change replaces glycine, which is neutral and non-polar, with aspartic acid, which is acidic and polar, at codon 946 of the DUOX2 protein (p.Gly946Asp). This variant is present in population databases (no rsID available, gnomAD 0.002%). This variant has not been reported in the literature in individuals affected with DUOX2-related conditions. ClinVar contains an entry for this variant (Variation ID: 2967961). Invitae Evidence Modeling of protein sequence and biophysical properties (such as structural, functional, and spatial information, amino acid conservation, physicochemical variation, residue mobility, and thermodynamic stability) indicates that this missense variant is not expected to disrupt DUOX2 protein function with a negative predictive value of 95%. In summary, the available evidence is currently insufficient to determine the role of this variant in disease. Therefore, it has been classified as a Variant of Uncertain Significance.

NM_001363711.2(DUOX2):c.2837G>A (p.Gly946Asp)

Gene: DUOX2 (dual oxidase 2; minus strand). Cytogenetic location: 15q21.1.
Variant type: single nucleotide variant.
Coding change: c.2837G>A on transcript NM_001363711.2 (MANE Select); coding-DNA position 2837, G replaced by A.
Protein change: p.Gly946Asp; replaces glycine 946 with aspartic acid.
Molecular consequence: missense variant.
Genome position (GRCh38, 1-based): chr15:45,101,807, C>T on the plus strand (G>A on the coding strand, the complement: DUOX2 is on the minus strand). VCF-style: chr15-45101807-C-T. GRCh37 (hg19) VCF-style: chr15-45394005-C-T.
Other names: c.2837G>A, p.Gly946Asp (NM_014080.5); c.2837G>A (NM_014080.4); short protein forms G946D.
Identifiers: ClinVar variation 2967961 (VCV002967961.4), dbSNP rs1238716178, ClinGen allele CA392265918.